The following is an entry in ClinVar:

ClinVar aggregate classification (germline): Likely pathogenic (1 of 4 stars; one submission).

Conditions:
Autosomal recessive limb-girdle muscular dystrophy type 2J (LGMDR10). Also called: Limb-girdle muscular dystrophy, type 2J; MUSCULAR DYSTROPHY, LIMB-GIRDLE, AUTOSOMAL RECESSIVE 10. Identifiers: Orphanet 140922, MedGen C1837342, MONDO:0012127, OMIM 608807.
Dilated cardiomyopathy 1G (CMD1G). Identifiers: Orphanet 154, MedGen C1858763, MONDO:0011400, OMIM 604145.

Submission:

Labcorp Genetics (formerly Invitae), Labcorp
Classification: Likely pathogenic for Dilated cardiomyopathy 1G; Autosomal recessive limb-girdle muscular dystrophy type 2J. Last evaluated: 2025-11-24. Review status: criteria provided, single submitter. Criteria: Invitae Variant Classification Sherloc (09022015). Collection method: clinical testing. Allele origin: germline.
Comment: This sequence change creates a premature translational stop signal (p.Glu16576*) in the TTN gene. While this is not anticipated to result in nonsense mediated decay, it is expected to create a truncated TTN protein. This variant is not present in population databases (gnomAD no frequency). This premature translational stop signal has been observed in individual(s) with dilated cardiomyopathy (internal data). Algorithms developed to predict the effect of sequence changes on RNA splicing suggest that this variant may disrupt the consensus splice site. This variant is located in the A band of TTN (PMID: 25589632). Truncating variants in this region are significantly overrepresented in patients affected with dilated cardiomyopathy (PMID: 25589632). Truncating variants in this region have also been reported in individuals affected with autosomal recessive centronuclear myopathy (PMID: 23975875). In summary, the currently available evidence indicates that the variant is pathogenic, but additional data are needed to prove that conclusively. Therefore, this variant has been classified as Likely Pathogenic.

Literature cited by the submitters: PubMed 25589632; PubMed 23975875.

NM_001267550.2(TTN):c.49726G>T (p.Glu16576Ter)

Genes: TTN (titin; minus strand), TTN-AS1 (TTN antisense RNA 1; plus strand). Cytogenetic location: 2q31.2.
Variant type: single nucleotide variant.
Coding change: c.49726G>T on transcript NM_001267550.2 (MANE Select); coding-DNA position 49726, G replaced by T.
Protein change: p.Glu16576Ter; replaces glutamic acid 16576 with a stop codon.
Molecular consequence: nonsense.
Genome position (GRCh38, 1-based): chr2:178,612,995, C>A on the plus strand (G>T on the coding strand, the complement: TTN is on the minus strand). VCF-style: chr2-178612995-C-A. GRCh37 (hg19) VCF-style: chr2-179477722-C-A.
Other names: c.44803G>T, p.Glu14935Ter (NM_001256850.1); c.22531G>T, p.Glu7511Ter (NM_003319.4); c.42022G>T, p.Glu14008Ter (NM_133378.4); c.22906G>T, p.Glu7636Ter (NM_133432.3); c.23107G>T, p.Glu7703Ter (NM_133437.4); short protein forms E16576*, E7703*, E14008*, E14935*, E7636*, E7511*.
Identifiers: ClinVar variation 4786732 (VCV004786732.1).